The following is an entry in ClinVar:

NM_203447.4(DOCK8):c.5093A>G (p.Asn1698Ser)

Gene: DOCK8 (dedicator of cytokinesis 8; plus strand). Cytogenetic location: 9p24.3.
Variant type: single nucleotide variant.
Coding change: c.5093A>G on transcript NM_203447.4 (MANE Select); coding-DNA position 5093, A replaced by G.
Protein change: p.Asn1698Ser; replaces asparagine 1698 with serine.
Molecular consequence: missense variant.
Genome position (GRCh38, 1-based): chr9:439,258, A>G. VCF-style: chr9-439258-A-G. GRCh37 (hg19) VCF-style: chr9-439258-A-G.
Other names: c.5093A>G (NM_203447.3); c.4793A>G, p.Asn1598Ser (NM_001190458.2); c.4889A>G, p.Asn1630Ser (NM_001193536.2); short protein forms N1598S, N1630S, N1698S.
Identifiers: ClinVar variation 1420731 (VCV001420731.5), dbSNP rs368538451, ClinGen allele CA4959307.
Genomic context (GRCh38, chr9:439,258, plus strand): 5'-TAGTCTGGTCGCCCTGTTCTCCAGGCTTATACTGTGGTCTCTTTCAGAATATTTCTTCCA[A>G]TGTGCTGGAGGAGTCTGTGGTCTCTGAGGACACCCTGTCACCTGACGAGGATGGGGTGTG-3'
Protein context (NP_982272.2, residues 1688-1708): GSVSFQNISS[Asn1698Ser]VLEESVVSED

ClinVar aggregate classification (germline): Uncertain significance. Review status: criteria provided, multiple submitters, no conflicts (2 of 4 stars). 2 submissions from 2 submitters: Uncertain significance (2). Last evaluated 2025-08-21.

Conditions:
Inborn genetic diseases. Identifiers: MedGen C0950123, MeSH D030342.
Combined immunodeficiency due to DOCK8 deficiency (HIES2). Also called: Hyper-IgE recurrent infection syndrome, autosomal recessive; DOCK8 Deficiency; HYPER-IgE RECURRENT INFECTION SYNDROME 2, AUTOSOMAL RECESSIVE; HIES autosomal recessive; HYPER-IgE SYNDROME 2, AUTOSOMAL RECESSIVE, WITH RECURRENT INFECTIONS. Identifiers: Orphanet 217390, MedGen C4722305, MONDO:0009478, OMIM 243700.

Allele frequency attached by ClinVar (database versions not stated): gnomAD 0.00009 and 0.00010; ESP Exome Variant Server 0.00015.
gnomAD v4.1: 46 of 1,613,724 alleles (0.0029%); highest among the groups gnomAD compares: African/African-American, 0.025%; no homozygotes.

Submissions (3):

Ambry Genetics
Classification: Uncertain significance for Inborn genetic diseases. Last evaluated: 2025-08-21. Review status: criteria provided, single submitter. Criteria: Ambry Variant Classification Scheme 2023. Collection method: clinical testing. Allele origin: germline.

Labcorp Genetics (formerly Invitae), Labcorp
Classification: Uncertain significance for Combined immunodeficiency due to DOCK8 deficiency. Last evaluated: 2022-03-18. Review status: criteria provided, single submitter. Criteria: Invitae Variant Classification Sherloc (09022015). Collection method: clinical testing. Allele origin: germline.
Comment: This sequence change replaces asparagine, which is neutral and polar, with serine, which is neutral and polar, at codon 1698 of the DOCK8 protein (p.Asn1698Ser). This variant is present in population databases (rs368538451, gnomAD 0.02%). This variant has not been reported in the literature in individuals affected with DOCK8-related conditions. Algorithms developed to predict the effect of missense changes on protein structure and function are either unavailable or do not agree on the potential impact of this missense change (SIFT: "Deleterious"; PolyPhen-2: "Probably Damaging"; Align-GVGD: "Class C0"). Algorithms developed to predict the effect of sequence changes on RNA splicing suggest that this variant may create or strengthen a splice site. In summary, the available evidence is currently insufficient to determine the role of this variant in disease. Therefore, it has been classified as a Variant of Uncertain Significance.

Dr. Peter K. Rogan Lab, Western University
No classification provided (evidence only). Condition: Colon adenocarcinoma. Review status: no classification provided. Collection method: in vitro. Allele origin: not applicable. Functional consequence: retained intron. Not counted in ClinVar's aggregate classification.